The following is an entry in ClinVar:

ClinVar aggregate classification (germline): Uncertain significance (1 of 4 stars; one submission).

Submission:

Labcorp Genetics (formerly Invitae), Labcorp
Classification: Uncertain significance. Last evaluated: 2022-06-29. Review status: criteria provided, single submitter. Criteria: Invitae Variant Classification Sherloc (09022015). Collection method: clinical testing. Allele origin: germline.
Comment: This sequence change replaces arginine, which is basic and polar, with serine, which is neutral and polar, at codon 304 of the CLUAP1 protein (p.Arg304Ser). In summary, the available evidence is currently insufficient to determine the role of this variant in disease. Therefore, it has been classified as a Variant of Uncertain Significance. Algorithms developed to predict the effect of missense changes on protein structure and function are either unavailable or do not agree on the potential impact of this missense change (SIFT: "Deleterious"; PolyPhen-2: "Benign"; Align-GVGD: "Class C0"). This variant has not been reported in the literature in individuals affected with CLUAP1-related conditions. This variant is present in population databases (no rsID available, gnomAD 0.0009%).

NM_015041.3(CLUAP1):c.910C>A (p.Arg304Ser)

Gene: CLUAP1 (clusterin associated protein 1; plus strand). Cytogenetic location: 16p13.3.
Variant type: single nucleotide variant.
Coding change: c.910C>A on transcript NM_015041.3 (MANE Select); coding-DNA position 910, C replaced by A.
Protein change: p.Arg304Ser; replaces arginine 304 with serine.
Molecular consequence: missense variant.
Genome position (GRCh38, 1-based): chr16:3,526,466, C>A. VCF-style: chr16-3526466-C-A. GRCh37 (hg19) VCF-style: chr16-3576466-C-A.
Other names: c.910C>A, p.Arg304Ser (NM_001330454.2); c.412C>A, p.Arg138Ser (NM_024793.3); short protein forms R138S, R304S.
Identifiers: ClinVar variation 1996807 (VCV001996807.4), dbSNP rs137950850, ClinGen allele CA394514850.